The following is an entry in ClinVar:

ClinVar aggregate classification (germline): Uncertain significance (1 of 4 stars; one submission).

Submission:

Labcorp Genetics (formerly Invitae), Labcorp
Classification: Uncertain significance. Last evaluated: 2023-07-10. Review status: criteria provided, single submitter. Criteria: Invitae Variant Classification Sherloc (09022015). Collection method: clinical testing. Allele origin: germline.
Comment: This sequence change replaces glycine, which is neutral and non-polar, with arginine, which is basic and polar, at codon 872 of the CUL7 protein (p.Gly872Arg). This variant is not present in population databases (gnomAD no frequency). This variant has not been reported in the literature in individuals affected with CUL7-related conditions. ClinVar contains an entry for this variant (Variation ID: 1372603). Advanced modeling of protein sequence and biophysical properties (such as structural, functional, and spatial information, amino acid conservation, physicochemical variation, residue mobility, and thermodynamic stability) performed at Invitae indicates that this missense variant is not expected to disrupt CUL7 protein function. In summary, the available evidence is currently insufficient to determine the role of this variant in disease. Therefore, it has been classified as a Variant of Uncertain Significance.

NM_014780.5(CUL7):c.2614G>C (p.Gly872Arg)

Gene: CUL7 (cullin 7; minus strand). Cytogenetic location: 6p21.1.
Variant type: single nucleotide variant.
Coding change: c.2614G>C on transcript NM_014780.5 (MANE Select); coding-DNA position 2614, G replaced by C.
Protein change: p.Gly872Arg; replaces glycine 872 with arginine.
Molecular consequence: missense variant.
Genome position (GRCh38, 1-based): chr6:43,046,282, C>G on the plus strand (G>C on the coding strand, the complement: CUL7 is on the minus strand). VCF-style: chr6-43046282-C-G. GRCh37 (hg19) VCF-style: chr6-43014020-C-G.
Other names: c.2710G>C, p.Gly904Arg (NM_001168370.2, NM_001374872.1); c.2614G>C, p.Gly872Arg (NM_001374873.1, NM_001374874.1); short protein forms G904R, G872R.
Identifiers: ClinVar variation 1372603 (VCV001372603.4), dbSNP rs61750320, ClinGen allele CA364211885.